The following is an entry in ClinVar:

NM_001165963.4(SCN1A):c.3008C>G (p.Thr1003Ser)

Gene: SCN1A (sodium voltage-gated channel alpha subunit 1; minus strand). Cytogenetic location: 2q24.3.
Variant type: single nucleotide variant.
Coding change: c.3008C>G on transcript NM_001165963.4 (MANE Select); coding-DNA position 3008, C replaced by G.
Protein change: p.Thr1003Ser; replaces threonine 1003 with serine.
Molecular consequence: missense variant. On other transcripts: non-coding transcript variant (1).
Genome position (GRCh38, 1-based): chr2:166,036,469, G>C on the plus strand (C>G on the coding strand, the complement: SCN1A is on the minus strand). VCF-style: chr2-166036469-G-C. GRCh37 (hg19) VCF-style: chr2-166892979-G-C.
Other names: c.2924C>G, p.Thr975Ser (NM_001165964.3, NM_001353957.2, NM_001353958.2); c.3008C>G, p.Thr1003Ser (NM_001202435.3, NM_001353948.2); c.2975C>G, p.Thr992Ser (NM_001353949.2, NM_001353950.2, NM_001353951.2 and 2 more transcripts); c.2972C>G, p.Thr991Ser (NM_001353954.2, NM_001353955.2); c.2921C>G, p.Thr974Ser (NM_001353960.2); c.566C>G, p.Thr189Ser (NM_001353961.2); short protein forms T1003S, T189S, T974S, T975S, T991S, T992S.
Identifiers: ClinVar variation 1693400 (VCV001693400.3), dbSNP rs1343188948, ClinGen allele CA349060420.
Genomic context (GRCh38, chr2:166,036,469, plus strand): 5'-ACTCCTTTGTGCATCCTATCCACAGCAATTTGGAGATTATTCATTTCATTATCATCATCA[G>C]TGGCTGCAAGGTTGTCTGCACTAAATGAGCTCAGAAGCAAGGCCAGAAAGAGATTCAGGA-3'
Protein context (NP_001159435.1, residues 993-1013): SSFSADNLAA[Thr1003Ser]DDDNEMNNLQ

ClinVar aggregate classification (germline): Uncertain significance. Review status: criteria provided, multiple submitters, no conflicts (2 of 4 stars). 2 submissions from 2 submitters: Uncertain significance (2). Last evaluated 2023-06-22.

Conditions:
Developmental and epileptic encephalopathy 6B. Also called: Developmental and epileptic encephalopathy 6B, non-Dravet. Identifiers: MedGen C5543353, MONDO:0030268, OMIM 619317.

Submissions (2):

Neuberg Centre For Genomic Medicine, NCGM
Classification: Uncertain significance for Developmental and epileptic encephalopathy 6B. Last evaluated: 2023-06-22. Review status: criteria provided, single submitter. Criteria: ACMG Guidelines, 2015. Collection method: clinical testing. Allele origin: germline. Inheritance: Autosomal dominant inheritance. Affected: yes.
Comment: The observed missense c.3008C>G(p.Thr1003Ser) variant in SCN1A gene has not been reported previously as a pathogenic variant nor as a benign variant, to our knowledge. The p.Thr1003Ser variant is absent in gnomAD Exomes database. This variant has been reported to the ClinVar database as Uncertain significance. Computational evidence (Polyphen - Benign, SIFT - Tolerated and MutationTaster -disease causing) predicts conflicting evidence on protein structure and function for this variant. The reference amino acid in SCN1A is predicted as conserved by GERP++ and PhyloP across 100 vertebrates. The amino acid Thr at position 1003 is changed to a Ser changing protein sequence and it might alter its composition and physico-chemical properties. For these reasons, this variant has been classified as Uncertain Significance (VUS).

GeneDx
Classification: Uncertain significance. Last evaluated: 2022-01-03. Review status: criteria provided, single submitter. Criteria: GeneDx Variant Classification Process June 2021. Collection method: clinical testing. Allele origin: germline. Affected: yes.
Comment: Not observed at significant frequency in large population cohorts (gnomAD); Missense variants in this gene are often considered pathogenic (HGMD); In silico analysis supports that this missense variant does not alter protein structure/function; Has not been previously published as pathogenic or benign to our knowledge; This substitution is predicted to be in the cytoplasmic loop between the second and third homologous domains